The following is an entry in ClinVar:

NM_004380.3(CREBBP):c.3495G>A (p.Trp1165Ter)

Gene: CREBBP (CREB binding lysine acetyltransferase; minus strand). Cytogenetic location: 16p13.3.
Variant type: single nucleotide variant.
Coding change: c.3495G>A on transcript NM_004380.3 (MANE Select); coding-DNA position 3495, G replaced by A.
Protein change: p.Trp1165Ter; replaces tryptophan 1165 with a stop codon.
Molecular consequence: nonsense.
Genome position (GRCh38, 1-based): chr16:3,757,923, C>T on the plus strand (G>A on the coding strand, the complement: CREBBP is on the minus strand). VCF-style: chr16-3757923-C-T. GRCh37 (hg19) VCF-style: chr16-3807924-C-T.
Other names: c.3381G>A, p.Trp1127Ter (NM_001079846.1); short protein forms W1127*, W1165*.
Identifiers: ClinVar variation 4871689 (VCV004871689.1).

ClinVar aggregate classification (germline): Pathogenic (1 of 4 stars; one submission).

Conditions:
Rubinstein-Taybi syndrome due to CREBBP mutations (RSTS1). Also called: Rubinstein-Taybi syndrome 1; BROAD THUMBS AND GREAT TOES, CHARACTERISTIC FACIES, AND IMPAIRED INTELLECTUAL DEVELOPMENT; CREBBP-Related Rubinstein-Taybi Syndrome; RUBINSTEIN-TAYBI SYNDROME 1, INCOMPLETE; BROAD THUMB-HALLUX SYNDROME; RUBINSTEIN SYNDROME. Identifiers: Orphanet 353277, Orphanet 783, MedGen C4551859, MONDO:0008393, OMIM 180849.

Submission:

Centro Nacional de Genética Medica, Administración Nacional de Laboratorios e Institutos de Salud (ANLIS) “Dr. Carlos G Malbrán”
Classification: Pathogenic for Rubinstein-Taybi syndrome due to CREBBP mutations. Last evaluated: 2026-06-08. Review status: criteria provided, single submitter. Criteria: ACMG Guidelines, 2015. Collection method: clinical testing. Allele origin: germline. Affected: yes. Observed: 1 variant allele.
Comment: This variant corresponds to a guanine-to-adenine substitution in the coding sequence of exon 18 of the 31 exons of the CREBBP gene. Consequently, a change of the amino acid tryptophan at position 1165 to a premature (nonsense) stop codon (p.Trp1165*) is predicted. This type of variant generally results in the deletion of messenger RNA through nonsense-mediated decay (NMD) (PMID: 16757948;17352659). CREBBP is a gene curated by ClinGen as having sufficient evidence of haploinsufficiency (3) (ISCA-466). As a consequence of this variant, there would be no translation and, therefore, no protein (PVS1). This variant is absent from population databases such as GnomAD, ExAc, or 1000 Genomes (PM2_Supporting). The patient's phenotype is highly specific for Rubinstein-Taybi Syndrome 1, and the variant found in the CREBBP gene could explain its clinical presentation (PP4). Based on the above and following the international rules of the American College of Medical Genetics (ACMG), the variant CREBBP:c.3495G>A (p.Trp1165*) identified in heterozygosity is classified as Pathogenic (PVS1, PS2_Supporting, PP4) and would explain the patient's clinical presentation.

Literature cited by the submitters: PubMed 16757948; PubMed 17352659.